The following is an entry in ClinVar:

ClinVar aggregate classification (germline): Likely benign (0 of 4 stars; one submission).

Conditions:
NBAS-related disorder. Also called: NBAS-related condition.

Allele frequency attached by ClinVar (database versions not stated): gnomAD exomes below 0.00001.
gnomAD v4.1: 1 of 1,613,216 alleles (0.000062%); highest among the groups gnomAD compares: East Asian, 0.0022%; no homozygotes.

Submission:

PreventionGenetics, part of Exact Sciences
Classification: Likely benign for NBAS-related condition. Last evaluated: 2023-08-01. Review status: no assertion criteria provided. Collection method: clinical testing. Allele origin: germline.
Comment: This variant is classified as likely benign based on ACMG/AMP sequence variant interpretation guidelines (Richards et al. 2015 PMID: 25741868, with internal and published modifications).

NM_015909.4(NBAS):c.5769G>A (p.Lys1923=)

Gene: NBAS (NBAS subunit of NRZ tethering complex; minus strand). Cytogenetic location: 2p24.3.
Variant type: single nucleotide variant.
Coding change: c.5769G>A on transcript NM_015909.4 (MANE Select); coding-DNA position 5769, G replaced by A.
Protein change: p.Lys1923=; no amino-acid change (lysine 1923 retained).
Molecular consequence: synonymous variant. On other transcripts: non-coding transcript variant (1).
Genome position (GRCh38, 1-based): chr2:15,238,642, C>T on the plus strand (G>A on the coding strand, the complement: NBAS is on the minus strand). VCF-style: chr2-15238642-C-T. GRCh37 (hg19) VCF-style: chr2-15378766-C-T.
Identifiers: ClinVar variation 3052694 (VCV003052694.2), dbSNP rs1195069088, ClinGen allele CA424867319.